The following is an entry in ClinVar:

NM_001330260.2(SCN8A):c.1180G>A (p.Val394Ile)

Gene: SCN8A (sodium voltage-gated channel alpha subunit 8; plus strand). Cytogenetic location: 12q13.13.
Variant type: single nucleotide variant.
Coding change: c.1180G>A on transcript NM_001330260.2 (MANE Select); coding-DNA position 1180, G replaced by A.
Protein change: p.Val394Ile; replaces valine 394 with isoleucine.
Molecular consequence: missense variant.
Genome position (GRCh38, 1-based): chr12:51,705,462, G>A. VCF-style: chr12-51705462-G-A. GRCh37 (hg19) VCF-style: chr12-52099246-G-A.
Other names: c.1180G>A, p.Val394Ile (NM_001177984.3, NM_001369788.1, NM_014191.4); short protein forms V394I.
Identifiers: ClinVar variation 4814100 (VCV004814100.1).

ClinVar aggregate classification (germline): Uncertain significance (1 of 4 stars; one submission).

Conditions:
Cognitive impairment with or without cerebellar ataxia (CIAT). Identifiers: MedGen C3280415, MONDO:0013680, OMIM 614306.

Submission:

OLLIN Analises Genomicas, OLLIN
Classification: Uncertain significance for Cognitive impairment with or without cerebellar ataxia. Last evaluated: 2026-02-13. Review status: criteria provided, single submitter. Criteria: ACMG Guidelines 2015 PMID 25741868. Collection method: clinical testing. Allele origin: germline. Observed: 1 variant allele.
Comment: PM2_P, PP3